The following is an entry in ClinVar:

NM_016151.4(TAOK2):c.1682A>G (p.Glu561Gly)

Gene: TAOK2 (TAO kinase 2; plus strand). Cytogenetic location: 16p11.2.
Variant type: single nucleotide variant.
Coding change: c.1682A>G on transcript NM_016151.4 (MANE Select); coding-DNA position 1682, A replaced by G.
Protein change: p.Glu561Gly; replaces glutamic acid 561 with glycine.
Molecular consequence: missense variant.
Genome position (GRCh38, 1-based): chr16:29,985,472, A>G. VCF-style: chr16-29985472-A-G. GRCh37 (hg19) VCF-style: chr16-29996793-A-G.
Other names: c.1682A>G, p.Glu561Gly (NM_001252043.2, NM_004783.4); short protein forms E561G.
Identifiers: ClinVar variation 3023920 (VCV003023920.3), dbSNP rs1314042631, ClinGen allele CA395486457.
Genomic context (GRCh38, chr16:29,985,472, plus strand): 5'-AGCTGGCCCGGCGGCACCAGGCCATAGGTGAGAAGGAGGCACGAGCTGCCCAGGCCGAGG[A>G]GCGGAAGTTCCAGCAGCACATCCTTGGGCAGCAGAAGAAGGAGCTGGCTGCCCTGCTGGA-3'
Protein context (NP_057235.2, residues 551-571): EKEARAAQAE[Glu561Gly]RKFQQHILGQ

ClinVar aggregate classification (germline): Uncertain significance (1 of 4 stars; one submission).

Allele frequency attached by ClinVar (database versions not stated): TOPMed below 0.00001; gnomAD 0.00001.
gnomAD v4.1: 1 of 1,613,006 alleles (0.000062%); highest among the groups gnomAD compares: Non-Finnish European, 0.000085%; no homozygotes.

Submission:

Labcorp Genetics (formerly Invitae), Labcorp
Classification: Uncertain significance. Last evaluated: 2024-01-29. Review status: criteria provided, single submitter. Criteria: Invitae Variant Classification Sherloc (09022015). Collection method: clinical testing. Allele origin: germline.
Comment: This sequence change replaces glutamic acid, which is acidic and polar, with glycine, which is neutral and non-polar, at codon 561 of the TAOK2 protein (p.Glu561Gly). This variant is not present in population databases (gnomAD no frequency). This variant has not been reported in the literature in individuals affected with TAOK2-related conditions. An algorithm developed to predict the effect of missense changes on protein structure and function (PolyPhen-2) suggests that this variant is likely to be disruptive. In summary, the available evidence is currently insufficient to determine the role of this variant in disease. Therefore, it has been classified as a Variant of Uncertain Significance.